The following is an entry in ClinVar:

NM_019888.3(MC3R):c.471C>A (p.Thr157=)

Gene: MC3R (melanocortin 3 receptor; plus strand). Cytogenetic location: 20q13.2.
Variant type: single nucleotide variant.
Coding change: c.471C>A on transcript NM_019888.3 (MANE Select); coding-DNA position 471, C replaced by A.
Protein change: p.Thr157=; no amino-acid change (threonine 157 retained).
Molecular consequence: synonymous variant.
Genome position (GRCh38, 1-based): chr20:56,249,314, C>A. VCF-style: chr20-56249314-C-A. GRCh37 (hg19) VCF-style: chr20-54824370-C-A.
Identifiers: ClinVar variation 2075840 (VCV002075840.6), dbSNP rs764841394, ClinGen allele CA9917018.

ClinVar aggregate classification (germline): Benign. Review status: criteria provided, single submitter (1 of 4 stars). 2 submissions from 2 submitters: Benign (1). 1 of the submissions does not count toward it. Last evaluated 2025-12-17.

Conditions:
MC3R-related disorder. Also called: MC3R-related condition.

Allele frequency attached by ClinVar (database versions not stated): gnomAD 0.00006; TOPMed 0.00011.

Submissions (2):

Labcorp Genetics (formerly Invitae), Labcorp
Classification: Benign. Last evaluated: 2025-12-17. Review status: criteria provided, single submitter. Criteria: Invitae Variant Classification Sherloc (09022015). Collection method: clinical testing. Allele origin: germline.

PreventionGenetics, part of Exact Sciences
Classification: Likely benign for MC3R-related condition. Last evaluated: 2019-09-09. Review status: no assertion criteria provided. Collection method: clinical testing. Allele origin: germline. Not counted in ClinVar's aggregate classification.
Comment: This variant is classified as likely benign based on ACMG/AMP sequence variant interpretation guidelines (Richards et al. 2015 PMID: 25741868, with internal and published modifications).